The following is an entry in ClinVar:

NM_080425.4(GNAS):c.1473G>T (p.Ala491=)

Gene: GNAS (GNAS complex locus; plus strand). Cytogenetic location: 20q13.32.
Variant type: single nucleotide variant.
Coding change: c.1473G>T on transcript NM_080425.4 (MANE Plus Clinical); coding-DNA position 1473, G replaced by T.
Protein change: p.Ala491=; no amino-acid change (alanine 491 retained).
Molecular consequence: synonymous variant. On other transcripts: missense variant (2), intron variant (3).
Genome position (GRCh38, 1-based): chr20:58,854,738, G>T. VCF-style: chr20-58854738-G-T. GRCh37 (hg19) VCF-style: chr20-57429793-G-T.
Other names: c.1286G>T, p.Arg429Leu (NM_001077490.3, NM_001309883.1); c.1473G>T, p.Ala491= (NM_001410913.1); c.*42+13852G>T (NM_016592.5); c.43+13852G>T (NM_001410912.1); c.-39+12863G>T (NM_001309861.2); short protein forms R429L.
Identifiers: ClinVar variation 3356346 (VCV003356346.1).

ClinVar aggregate classification (germline): Uncertain significance (0 of 4 stars; one submission).

Conditions:
GNAS-related disorder. Identifiers: MedGen CN380105.

gnomAD v4.1: 3 of 1,539,102 alleles (0.00019%); highest among the groups gnomAD compares: South Asian, 0.0024%; no homozygotes.

Submission:

PreventionGenetics, part of Exact Sciences
Classification: Uncertain significance for GNAS-related condition. Last evaluated: 2024-03-06. Review status: no assertion criteria provided. Collection method: clinical testing. Allele origin: germline.
Comment: The GNAS c.1286G>T variant is predicted to result in the amino acid substitution p.Arg429Leu. To our knowledge, this variant has not been reported in the literature. This variant is reported in 0.0044% of alleles in individuals of South Asian descent in gnomAD. At this time, the clinical significance of this variant is uncertain due to the absence of conclusive functional and genetic evidence.